The following is an entry in ClinVar:

NM_001903.5(CTNNA1):c.1748-3C>G

Gene: CTNNA1 (catenin alpha 1; plus strand). Cytogenetic location: 5q31.2.
Variant type: single nucleotide variant.
Coding change: c.1748-3C>G on transcript NM_001903.5 (MANE Select); 3 bases into the intron before coding-DNA position 1748, C replaced by G.
Molecular consequence: intron variant.
Genome position (GRCh38, 1-based): chr5:138,925,253, C>G. VCF-style: chr5-138925253-C-G. GRCh37 (hg19) VCF-style: chr5-138260942-C-G.
Other names: c.638-3C>G (NM_001323997.1, NM_001324004.1, NM_001323987.1 and 17 more transcripts); c.299-3C>G (NM_001324008.1, NM_001324006.1, NM_001324007.1 and 2 more transcripts); c.545-3C>G (NM_001324011.1); c.395-3C>G (NM_001324012.1, NM_001324013.1); c.1748-3C>G (NM_001323982.2, NM_001323984.2, NM_001290307.3 and 2 more transcripts); c.1655-3C>G (NM_001323986.2); c.1379-3C>G (NM_001290310.3); c.1439-3C>G (NM_001290309.3).
Identifiers: ClinVar variation 2625470 (VCV002625470.2), dbSNP rs1763762459, ClinGen allele CA2582341652.

ClinVar aggregate classification (germline): Uncertain significance (1 of 4 stars; one submission).

Conditions:
Hereditary cancer-predisposing syndrome. Also called: Tumor predisposition; Hereditary Cancer Syndrome; Hereditary neoplastic syndrome; Neoplastic Syndromes, Hereditary. Identifiers: Orphanet 140162, MedGen C0027672, MeSH D009386, MONDO:0015356.

Submission:

Ambry Genetics
Classification: Uncertain significance for Hereditary cancer-predisposing syndrome. Last evaluated: 2023-06-21. Review status: criteria provided, single submitter. Criteria: Ambry Variant Classification Scheme 2023. Collection method: clinical testing. Allele origin: germline.
Comment: The c.1748-3C>G intronic variant results from a C to G substitution 3 nucleotides upstream from coding exon 12 in the CTNNA1 gene. This nucleotide position is well conserved in available vertebrate species. In silico splice site analysis predicts that this alteration will weaken the native splice acceptor site and will result in the creation or strengthening of a novel splice acceptor site. The evidence for this gene-disease relationship is limited; therefore, the clinical significance of this alteration is unclear.